The following is an entry in ClinVar:

NM_177438.3(DICER1):c.74G>T (p.Gly25Val)

Gene: DICER1 (dicer 1, ribonuclease III; minus strand). Cytogenetic location: 14q32.13.
Variant type: single nucleotide variant.
Coding change: c.74G>T on transcript NM_177438.3 (MANE Select); coding-DNA position 74, G replaced by T.
Protein change: p.Gly25Val; replaces glycine 25 with valine.
Molecular consequence: missense variant. On other transcripts: 5 prime UTR variant (8), non-coding transcript variant (6), intron variant (1).
Genome position (GRCh38, 1-based): chr14:95,133,385, C>A on the plus strand (G>T on the coding strand, the complement: DICER1 is on the minus strand). VCF-style: chr14-95133385-C-A. GRCh37 (hg19) VCF-style: chr14-95599722-C-A.
Other names: c.74G>T, p.Gly25Val (NM_001195573.1, NM_001271282.3, NM_001291628.2 and 14 more transcripts); c.-201G>T (NM_001395686.1, NM_001395688.1, NM_001395689.1 and 3 more transcripts); c.-385G>T (NM_001395691.1); c.-1495G>T (NM_001395697.1); c.-130-708G>T (NM_001395687.1); short protein forms G25V.
Identifiers: ClinVar variation 4707805 (VCV004707805.1).

ClinVar aggregate classification (germline): Uncertain significance (1 of 4 stars; one submission).

Conditions:
DICER1-related tumor predisposition. Also called: DICER1 syndrome; DICER1-related pleuropulmonary blastoma cancer predisposition syndrome. Identifiers: Orphanet 284343, MedGen C3839822, MONDO:0100216.

Submission:

Labcorp Genetics (formerly Invitae), Labcorp
Classification: Uncertain significance for DICER1-related tumor predisposition. Last evaluated: 2025-09-16. Review status: criteria provided, single submitter. Criteria: Invitae Variant Classification Sherloc (09022015). Collection method: clinical testing. Allele origin: germline.
Comment: This sequence change replaces glycine, which is neutral and non-polar, with valine, which is neutral and non-polar, at codon 25 of the DICER1 protein (p.Gly25Val). This variant is not present in population databases (gnomAD no frequency). This variant has not been reported in the literature in individuals affected with DICER1-related conditions. Invitae Evidence Modeling of protein sequence and biophysical properties (such as structural, functional, and spatial information, amino acid conservation, physicochemical variation, residue mobility, and thermodynamic stability) indicates that this missense variant is not expected to disrupt DICER1 protein function with a negative predictive value of 95%. In summary, the available evidence is currently insufficient to determine the role of this variant in disease. Therefore, it has been classified as a Variant of Uncertain Significance.